The following is an entry in ClinVar:

ClinVar aggregate classification (germline): Likely benign. Review status: criteria provided, multiple submitters, no conflicts (2 of 4 stars). 2 submissions from 2 submitters: Likely benign (2). Last evaluated 2018-06-19.

Allele frequency attached by ClinVar (database versions not stated): gnomAD 0.00545 and 0.00581; TOPMed 0.00649; 1000 Genomes Project 0.00719; 1000 Genomes Project 30x 0.00812.
gnomAD v4.1: 1,263 of 852,306 alleles (0.15%); highest among the groups gnomAD compares: African/African-American, 1.8%; 17 homozygotes.

Submissions (2):

GeneDx
Classification: Likely benign. Last evaluated: 2018-06-19. Review status: criteria provided, single submitter. Criteria: GeneDx Variant Classification (06012015). Collection method: clinical testing. Allele origin: germline. Affected: yes.
Comment: This variant is considered likely benign or benign based on one or more of the following criteria: it is a conservative change, it occurs at a poorly conserved position in the protein, it is predicted to be benign by multiple in silico algorithms, and/or has population frequency not consistent with disease.

Breakthrough Genomics
Classification: Likely benign. Review status: criteria provided, single submitter. Criteria: ACMG Guidelines, 2015. Collection method: not provided. Allele origin: germline. Inheritance: Autosomal recessive inheritance. Affected: yes.

NM_003331.5(TYK2):c.2908+156C>A

Gene: TYK2 (tyrosine kinase 2; minus strand). Cytogenetic location: 19p13.2.
Variant type: single nucleotide variant.
Coding change: c.2908+156C>A on transcript NM_003331.5 (MANE Select); 156 bases into the intron after coding-DNA position 2908, C replaced by A.
Molecular consequence: intron variant.
Genome position (GRCh38, 1-based): chr19:10,353,886, G>T on the plus strand (C>A on the coding strand, the complement: TYK2 is on the minus strand). VCF-style: chr19-10353886-G-T. GRCh37 (hg19) VCF-style: chr19-10464562-G-T.
Identifiers: ClinVar variation 677760 (VCV000677760.2), dbSNP rs72563148, ClinGen allele CA305194235.